The following is an entry in ClinVar:

NM_020822.3(KCNT1):c.1139C>T (p.Ser380Phe)

Gene: KCNT1 (potassium sodium-activated channel subfamily T member 1; plus strand). Cytogenetic location: 9q34.3.
Variant type: single nucleotide variant.
Coding change: c.1139C>T on transcript NM_020822.3 (MANE Select); coding-DNA position 1139, C replaced by T.
Protein change: p.Ser380Phe; replaces serine 380 with phenylalanine.
Molecular consequence: missense variant.
Genome position (GRCh38, 1-based): chr9:135,765,134, C>T. VCF-style: chr9-135765134-C-T. GRCh37 (hg19) VCF-style: chr9-138656980-C-T.
Other names: c.1004C>T, p.Ser335Phe (NM_001272003.2); short protein forms S380F, S335F.
Identifiers: ClinVar variation 473355 (VCV000473355.9), dbSNP rs765193021, ClinGen allele CA5326780.

ClinVar aggregate classification (germline): Uncertain significance (1 of 4 stars; one submission).

Conditions:
Autosomal dominant nocturnal frontal lobe epilepsy 5. Also called: Epilepsy, nocturnal frontal lobe, 5; CILIARY DYSKINESIA, PRIMARY, 28, WITHOUT SITUS INVERSUS; CILIARY DYSKINESIA, PRIMARY, 28, WITH SITUS INVERSUS; KCNT1-Related Epilepsy. Identifiers: Orphanet 98784, MedGen C3554306, MONDO:0014002, OMIM 615005.
Developmental and epileptic encephalopathy, 14 (DEE14). Also called: Early infantile epileptic encephalopathy 14. Identifiers: Orphanet 293181, MedGen C3554195, MONDO:0013989, OMIM 614959.

Allele frequency attached by ClinVar (database versions not stated): gnomAD exomes below 0.00001 and 0.00001; TOPMed below 0.00001; ExAC 0.00001; gnomAD 0.00001.
gnomAD v4.1: 10 of 1,613,576 alleles (0.00062%); highest among the groups gnomAD compares: African/African-American, 0.0013%; no homozygotes.

Submission:

Labcorp Genetics (formerly Invitae), Labcorp
Classification: Uncertain significance for Autosomal dominant nocturnal frontal lobe epilepsy 5; Developmental and epileptic encephalopathy, 14. Last evaluated: 2019-10-29. Review status: criteria provided, single submitter. Criteria: Invitae Variant Classification Sherloc (09022015). Collection method: clinical testing. Allele origin: germline.
Comment: This sequence change replaces serine with phenylalanine at codon 380 of the KCNT1 protein (p.Ser380Phe). The serine residue is moderately conserved and there is a large physicochemical difference between serine and phenylalanine. In summary, this variant is a novel missense change with uncertain impact on protein function. It has been classified as a Variant of Uncertain Significance. Algorithms developed to predict the effect of missense changes on protein structure and function do not agree on the potential impact of this missense change (SIFT: "Deleterious"; PolyPhen-2: "Possibly Damaging"; Align-GVGD: "Class C0"). The frequency data for this variant (rs765193021) in the population databases is unreliable, as metrics indicate poor quality at this position in the ExAC database. This variant has not been reported in the literature in individuals with a KCNT1-related disease.